The following is an entry in ClinVar:

ClinVar aggregate classification (germline): Conflicting classifications of pathogenicity. Review status: criteria provided, conflicting classifications (1 of 4 stars). 8 submissions from 7 submitters: Uncertain significance (3); Likely benign (5). Last evaluated 2026-01-04.

Conditions:
Brain small vessel disease 1 with or without ocular anomalies (BSVD1). Also called: PORENCEPHALY, TYPE 1, AUTOSOMAL DOMINANT; BRAIN SMALL VESSEL DISEASE WITH HEMORRHAGE; GOULD SYNDROME 1; Brain small vessel disease with or without ocular anomalies. Identifiers: Orphanet 2940, Orphanet 36383, Orphanet 99810, MedGen C4755307, MONDO:0008289, OMIM 175780.
COL4A1-related disorder. Also called: COL4A1-related condition; COL4A1-related disorders. Identifiers: MedGen CN376119, MONDO:0800461.
Autosomal dominant familial hematuria-retinal arteriolar tortuosity-contractures syndrome. Also called: Hereditary Angiopathy with Nephropathy, Aneurysms, and Muscle Cramps (HANAC) Syndrome; Angiopathy, hereditary, with nephropathy, aneurysms, and muscle cramps. Identifiers: Orphanet 73229, MedGen C2673195, MONDO:0012726, OMIM 611773.

Allele frequency attached by ClinVar (database versions not stated): ESP Exome Variant Server 0.00008; gnomAD 0.00009; gnomAD exomes 0.00009 and 0.00012; TOPMed 0.00010; ExAC 0.00013.
gnomAD v4.1: 144 of 1,614,048 alleles (0.0089%); highest among the groups gnomAD compares: Middle Eastern, 0.049%; no homozygotes.

Submissions (8):

Labcorp Genetics (formerly Invitae), Labcorp
Classification: Likely benign. Last evaluated: 2026-01-04. Review status: criteria provided, single submitter. Criteria: Invitae Variant Classification Sherloc (09022015). Collection method: clinical testing. Allele origin: germline.

CeGaT Center for Human Genetics Tuebingen
Classification: Likely benign. Last evaluated: 2025-12-01. Review status: criteria provided, single submitter. Criteria: CeGaT Center For Human Genetics Tuebingen Variant Classification Criteria Version 2. Collection method: clinical testing. Allele origin: germline. Affected: yes. Observed: 3 variant alleles.
Comment: COL4A1: BP4, BS2

PreventionGenetics, part of Exact Sciences
Classification: Likely benign for COL4A1-related condition. Last evaluated: 2025-01-16. Review status: criteria provided, single submitter. Criteria: ACMG Guidelines, 2015. Collection method: clinical testing. Allele origin: germline.
Comment: This variant is classified as likely benign based on ACMG/AMP sequence variant interpretation guidelines (Richards et al. 2015 PMID: 25741868, with internal and published modifications).

Blueprint Genetics
Classification: Likely benign. Last evaluated: 2024-10-15. Review status: criteria provided, single submitter. Criteria: ACMG Guidelines, 2015. Collection method: clinical testing. Allele origin: germline.

Revvity Omics, Revvity
Classification: Likely benign. Last evaluated: 2024-06-13. Review status: criteria provided, single submitter. Criteria: ACMG Guidelines, 2015. Collection method: clinical testing. Allele origin: germline.

Illumina Laboratory Services, Illumina
Classification: Uncertain significance for Brain small vessel disease 1 with or without ocular anomalies. Last evaluated: 2018-01-13. Review status: criteria provided, single submitter. Criteria: ICSL Variant Classification Criteria 13 December 2019. Collection method: clinical testing. Allele origin: germline.

Illumina Laboratory Services, Illumina
Classification: Uncertain significance for Autosomal dominant familial hematuria-retinal arteriolar tortuosity-contractures syndrome. Last evaluated: 2018-01-13. Review status: criteria provided, single submitter. Criteria: ICSL Variant Classification Criteria 13 December 2019. Collection method: clinical testing. Allele origin: germline.

Eurofins Ntd Llc (ga)
Classification: Uncertain significance. Last evaluated: 2015-02-23. Review status: criteria provided, single submitter. Criteria: EGL Classification Definitions 2015. Collection method: clinical testing. Allele origin: germline. Observed: 1 variant allele, 1 heterozygote.

NM_001845.6(COL4A1):c.2903G>A (p.Arg968Gln)

Gene: COL4A1 (collagen type IV alpha 1 chain; minus strand). Cytogenetic location: 13q34.
Variant type: single nucleotide variant.
Coding change: c.2903G>A on transcript NM_001845.6 (MANE Select); coding-DNA position 2903, G replaced by A.
Protein change: p.Arg968Gln; replaces arginine 968 with glutamine.
Molecular consequence: missense variant.
Genome position (GRCh38, 1-based): chr13:110,176,691, C>T on the plus strand (G>A on the coding strand, the complement: COL4A1 is on the minus strand). VCF-style: chr13-110176691-C-T. GRCh37 (hg19) VCF-style: chr13-110829038-C-T.
Other names: c.2903G>A (NM_001845.5); short protein forms R968Q.
Identifiers: ClinVar variation 196947 (VCV000196947.42), dbSNP rs146288748, ClinGen allele CA244774.